The following is an entry in ClinVar:

ClinVar aggregate classification (germline): Uncertain significance. Review status: criteria provided, multiple submitters, no conflicts (2 of 4 stars). 2 submissions from 2 submitters: Uncertain significance (2). Last evaluated 2026-02-20.

Conditions:
Hereditary cancer-predisposing syndrome. Also called: Tumor predisposition; Hereditary Cancer Syndrome; Neoplastic Syndromes, Hereditary; Hereditary neoplastic syndrome. Identifiers: Orphanet 140162, MedGen C0027672, MeSH D009386, MONDO:0015356.
Rhabdoid tumor predisposition syndrome 2 (RTPS2). Identifiers: Orphanet 231108, Orphanet 69077, MedGen C2750074, MONDO:0013224, OMIM 613325.

Submissions (2):

Ambry Genetics
Classification: Uncertain significance for Hereditary cancer-predisposing syndrome. Last evaluated: 2026-02-20. Review status: criteria provided, single submitter. Criteria: Ambry Variant Classification Scheme 2023. Collection method: clinical testing. Allele origin: germline.
Comment: The c.1593+3A>G intronic variant results from an A to G substitution 3 nucleotides after coding exon 8 in the SMARCA4 gene. This nucleotide position is not well conserved in available vertebrate species. In silico splice site analysis predicts that this alteration will result in the creation or strengthening of a novel splice donor site; however, direct evidence is insufficient at this time (Ambry internal data). This variant was detected as heterozygous in individuals with no reported features of Coffin-Siris syndrome (Ambry internal data). Based on the supporting evidence, the association of this variant with rhabdoid tumor predisposition syndrome is unknown; however, the association of this variant with Coffin-Siris syndrome is unlikely.

Labcorp Genetics (formerly Invitae), Labcorp
Classification: Uncertain significance for Rhabdoid tumor predisposition syndrome 2. Last evaluated: 2023-06-25. Review status: criteria provided, single submitter. Criteria: Invitae Variant Classification Sherloc (09022015). Collection method: clinical testing. Allele origin: germline.
Comment: In summary, the available evidence is currently insufficient to determine the role of this variant in disease. Therefore, it has been classified as a Variant of Uncertain Significance. Variants that disrupt the consensus splice site are a relatively common cause of aberrant splicing (PMID: 17576681, 9536098). Studies have shown that this variant is associated with altered splicing resulting in unknown protein product impact (Invitae). ClinVar contains an entry for this variant (Variation ID: 486476). This variant has not been reported in the literature in individuals affected with SMARCA4-related conditions. This variant is not present in population databases (gnomAD no frequency). This sequence change falls in intron 9 of the SMARCA4 gene. It does not directly change the encoded amino acid sequence of the SMARCA4 protein. It affects a nucleotide within the consensus splice site.

Literature cited by the submitters: PubMed 17576681 (cited by Labcorp Genetics (formerly Invitae), Labcorp); PubMed 9536098 (cited by Labcorp Genetics (formerly Invitae), Labcorp).

NM_003072.5(SMARCA4):c.1593+3A>G

Gene: SMARCA4 (SWI/SNF related BAF chromatin remodeling complex subunit ATPase 4; plus strand). Cytogenetic location: 19p13.2.
Variant type: single nucleotide variant.
Coding change: c.1593+3A>G on transcript NM_003072.5 (MANE Select); 3 bases into the intron after coding-DNA position 1593, A replaced by G.
Molecular consequence: intron variant.
Genome position (GRCh38, 1-based): chr19:10,995,004, A>G. VCF-style: chr19-10995004-A-G. GRCh37 (hg19) VCF-style: chr19-11105680-A-G.
Other names: c.1593+3A>G (NM_001128844.3, NM_001128849.3, NM_001128847.4 and 5 more transcripts).
Identifiers: ClinVar variation 486476 (VCV000486476.12), dbSNP rs1555762222, ClinGen allele CA658656767.
Genomic context (GRCh38, chr19:10,995,004, plus strand): 5'-GCGGGAGCAGAAGAAAGAGAACGAGCGGATCGAGAAGGAGCGCATGCGGAGGCTCATGGT[A>G]TGGTCCTGCCTTCTTGACGTGCGCTCTTCTACATGTGTAGCTGGTACTGCGGGCTCCAGG-3'